The following is an entry in ClinVar:

NM_005121.3(MED13):c.1860C>G (p.Phe620Leu)

Gene: MED13 (mediator complex subunit 13; minus strand). Cytogenetic location: 17q23.2.
Variant type: single nucleotide variant.
Coding change: c.1860C>G on transcript NM_005121.3 (MANE Select); coding-DNA position 1860, C replaced by G.
Protein change: p.Phe620Leu; replaces phenylalanine 620 with leucine.
Molecular consequence: missense variant.
Genome position (GRCh38, 1-based): chr17:62,010,657, G>C on the plus strand (C>G on the coding strand, the complement: MED13 is on the minus strand). VCF-style: chr17-62010657-G-C. GRCh37 (hg19) VCF-style: chr17-60088018-G-C.
Other names: short protein forms F620L.
Identifiers: ClinVar variation 4846852 (VCV004846852.1).

ClinVar aggregate classification (germline): Uncertain significance (1 of 4 stars; one submission).

Conditions:
Intellectual developmental disorder 61. Also called: INTELLECTUAL DEVELOPMENTAL DISORDER, AUTOSOMAL DOMINANT 61; MENTAL RETARDATION, AUTOSOMAL DOMINANT 61. Identifiers: MedGen C5231400, MONDO:0032485, OMIM 618009.

Submission:

Laboratorio de Genetica e Diagnostico Molecular, Hospital Israelita Albert Einstein
Classification: Uncertain significance for Intellectual developmental disorder 61. Last evaluated: 2026-03-13. Review status: criteria provided, single submitter. Criteria: ACMG Guidelines, 2015. Collection method: clinical testing. Allele origin: germline. Affected: yes.
Comment: ACMG classification criteria: PM2 supporting, PP2 supporting, BP4 supporting